The following is an entry in ClinVar:

ClinVar aggregate classification (germline): Uncertain significance (1 of 4 stars; one submission).

Conditions:
Muscular dystrophy-dystroglycanopathy (congenital with brain and eye anomalies), type A, 7. Also called: WALKER-WARBURG SYNDROME OR MUSCLE-EYE-BRAIN DISEASE, ISPD-RELATED; Congenital muscular dystrophy-dystroglycanopathy with brain and eye anomalies, type A7. Identifiers: Orphanet 899, MedGen C3553330, MONDO:0013835, OMIM 614643.
Autosomal recessive limb-girdle muscular dystrophy type 2U. Also called: Muscular dystrophy-dystroglycanopathy (limb-girdle), type c, 7; MUSCULAR DYSTROPHY, LIMB-GIRDLE, TYPE 2U. Identifiers: Orphanet 352479, MedGen C5190987, MONDO:0014474, OMIM 616052.

Allele frequency attached by ClinVar (database versions not stated): gnomAD 0.00004; TOPMed 0.00007.

Submission:

Labcorp Genetics (formerly Invitae), Labcorp
Classification: Uncertain significance for Muscular dystrophy-dystroglycanopathy (congenital with brain and eye anomalies), type A, 7; Autosomal recessive limb-girdle muscular dystrophy type 2U. Last evaluated: 2022-05-13. Review status: criteria provided, single submitter. Criteria: Invitae Variant Classification Sherloc (09022015). Collection method: clinical testing. Allele origin: germline.
Comment: This sequence change replaces glutamic acid, which is acidic and polar, with lysine, which is basic and polar, at codon 58 of the ISPD protein (p.Glu58Lys). This variant is present in population databases (no rsID available, gnomAD 0.02%). This variant has not been reported in the literature in individuals affected with ISPD-related conditions. Algorithms developed to predict the effect of missense changes on protein structure and function are either unavailable or do not agree on the potential impact of this missense change (SIFT: "Deleterious"; PolyPhen-2: "Benign"; Align-GVGD: "Class C0"). In summary, the available evidence is currently insufficient to determine the role of this variant in disease. Therefore, it has been classified as a Variant of Uncertain Significance.

NM_001101426.4(CRPPA):c.172G>A (p.Glu58Lys)

Genes: CRPPA (CDP-L-ribitol pyrophosphorylase A; minus strand), LOC129998004 (ATAC-STARR-seq lymphoblastoid silent region 17981; plus strand). Cytogenetic location: 7p21.2.
Variant type: single nucleotide variant.
Coding change: c.172G>A on transcript NM_001101426.4 (MANE Select); coding-DNA position 172, G replaced by A.
Protein change: p.Glu58Lys; replaces glutamic acid 58 with lysine.
Molecular consequence: missense variant. On other transcripts: non-coding transcript variant (1).
Genome position (GRCh38, 1-based): chr7:16,421,151, C>T on the plus strand (G>A on the coding strand, the complement: CRPPA is on the minus strand). VCF-style: chr7-16421151-C-T. GRCh37 (hg19) VCF-style: chr7-16460776-C-T.
Other names: c.172G>A, p.Glu58Lys (NM_001101417.4, NM_001368197.1); short protein forms E58K.
Identifiers: ClinVar variation 1945615 (VCV001945615.5), dbSNP rs1000004869, ClinGen allele CA154766856.